The following is an entry in ClinVar:

NM_014832.5(TBC1D4):c.85G>T (p.Gly29Trp)

Gene: TBC1D4 (TBC1 domain family member 4; minus strand). Cytogenetic location: 13q22.2.
Variant type: single nucleotide variant.
Coding change: c.85G>T on transcript NM_014832.5 (MANE Select); coding-DNA position 85, G replaced by T.
Protein change: p.Gly29Trp; replaces glycine 29 with tryptophan.
Molecular consequence: missense variant.
Genome position (GRCh38, 1-based): chr13:75,481,683, C>A on the plus strand (G>T on the coding strand, the complement: TBC1D4 is on the minus strand). VCF-style: chr13-75481683-C-A. GRCh37 (hg19) VCF-style: chr13-76055819-C-A.
Other names: c.85G>T, p.Gly29Trp (NM_001286658.2, NM_001286659.2); short protein forms G29W.
Identifiers: ClinVar variation 4987962 (VCV004987962.1).

ClinVar aggregate classification (germline): Uncertain significance (1 of 4 stars; one submission).

Conditions:
TBC1D4-related disorder. Also called: TBC1D4-related condition.

gnomAD v4.1: 4 of 1,600,136 alleles (0.00025%); highest among the groups gnomAD compares: East Asian, 0.0067%; no homozygotes.

Submission:

PreventionGenetics, part of Exact Sciences
Classification: Uncertain significance for TBC1D4-related condition. Last evaluated: 2024-10-16. Review status: criteria provided, single submitter. Criteria: ACMG Guidelines, 2015. Collection method: clinical testing. Allele origin: germline.
Comment: The TBC1D4 c.85G>T variant is predicted to result in the amino acid substitution p.Gly29Trp. To our knowledge, this variant has not been reported in the literature. This variant is reported in 0.012% of alleles in individuals of East Asian descent in gnomAD. At this time, the clinical significance of this variant is uncertain due to the absence of conclusive functional and genetic evidence.